The following is an entry in ClinVar:

NM_000052.7(ATP7A):c.3382G>A (p.Gly1128Ser)

Gene: ATP7A (ATPase copper transporting alpha; plus strand). Cytogenetic location: Xq21.1.
Variant type: single nucleotide variant.
Coding change: c.3382G>A on transcript NM_000052.7 (MANE Select); coding-DNA position 3382, G replaced by A.
Protein change: p.Gly1128Ser; replaces glycine 1128 with serine.
Molecular consequence: missense variant. On other transcripts: non-coding transcript variant (1).
Genome position (GRCh38, 1-based): chrX:78,033,692, G>A. VCF-style: chrX-78033692-G-A. GRCh37 (hg19) VCF-style: chrX-77289190-G-A.
Other names: c.3148G>A, p.Gly1050Ser (NM_001282224.2); short protein forms G1050S, G1128S.
Identifiers: ClinVar variation 4792800 (VCV004792800.1).

ClinVar aggregate classification (germline): Uncertain significance (1 of 4 stars; one submission).

Conditions:
Menkes kinky-hair syndrome (MNK). Also called: Classic Menkes Disease; Copper transport disease; Menkes Disease. Identifiers: Orphanet 565, MedGen C0022716, MONDO:0010651, OMIM 309400.
Cutis laxa, X-linked (OHS). Also called: EDS IX; Occipital horn syndrome. Identifiers: Orphanet 198, MedGen C0268353, MONDO:0010572, OMIM 304150.
X-linked distal spinal muscular atrophy type 3. Also called: ATP7A-Related Distal Motor Neuropathy; SPINAL MUSCULAR ATROPHY, DISTAL, X-LINKED RECESSIVE; NEURONOPATHY, DISTAL HEREDITARY MOTOR, X-LINKED; NEUROPATHY, DISTAL HEREDITARY MOTOR, X-LINKED. Identifiers: Orphanet 139557, MedGen C1845359, MONDO:0010338, OMIM 300489.

gnomAD v4.1: 2 of 1,210,566 alleles (0.00017%); highest among the groups gnomAD compares: Admixed American, 0.0022%; no homozygotes.

Submission:

Labcorp Genetics (formerly Invitae), Labcorp
Classification: Uncertain significance for X-linked distal spinal muscular atrophy type 3; Cutis laxa, X-linked; Menkes kinky-hair syndrome. Last evaluated: 2025-02-14. Review status: criteria provided, single submitter. Criteria: Invitae Variant Classification Sherloc (09022015). Collection method: clinical testing. Allele origin: germline.
Comment: This sequence change replaces glycine, which is neutral and non-polar, with serine, which is neutral and polar, at codon 1128 of the ATP7A protein (p.Gly1128Ser). This variant is not present in population databases (gnomAD no frequency). This variant has not been reported in the literature in individuals affected with ATP7A-related conditions. Invitae Evidence Modeling of protein sequence and biophysical properties (such as structural, functional, and spatial information, amino acid conservation, physicochemical variation, residue mobility, and thermodynamic stability) indicates that this missense variant is not expected to disrupt ATP7A protein function with a negative predictive value of 95%. In summary, the available evidence is currently insufficient to determine the role of this variant in disease. Therefore, it has been classified as a Variant of Uncertain Significance.